The following is an entry in ClinVar:

NM_002520.7(NPM1):c.641C>A (p.Ser214Ter)

Gene: NPM1 (nucleophosmin 1; plus strand). Cytogenetic location: 5q35.1.
Variant type: single nucleotide variant.
Coding change: c.641C>A on transcript NM_002520.7 (MANE Select); coding-DNA position 641, C replaced by A.
Protein change: p.Ser214Ter; replaces serine 214 with a stop codon.
Molecular consequence: nonsense. On other transcripts: non-coding transcript variant (1), intron variant (3).
Genome position (GRCh38, 1-based): chr5:171,400,897, C>A. VCF-style: chr5-171400897-C-A. GRCh37 (hg19) VCF-style: chr5-170827901-C-A.
Other names: c.641C>A, p.Ser214Ter (NM_001037738.3, NM_001355006.2); c.449C>A, p.Ser150Ter (NM_001355007.2); c.582+687C>A (NM_199185.4, NM_001355009.2); c.288+687C>A (NM_001355010.2); short protein forms S150*, S214*.
Identifiers: ClinVar variation 3376768 (VCV003376768.1).

ClinVar aggregate classification (germline): Uncertain significance (1 of 4 stars; one submission).

Conditions:
Dyskeratosis congenita. Identifiers: Orphanet 1775, MedGen C0265965, MONDO:0015780.

Submission:

Victorian Clinical Genetics Services, Murdoch Childrens Research Institute
Classification: Uncertain significance for Dyskeratosis congenita. Last evaluated: 2023-07-17. Review status: criteria provided, single submitter. Criteria: ACMG Guidelines, 2015. Collection method: clinical testing. Allele origin: germline. Inheritance: Autosomal dominant inheritance. Affected: no.
Comment: Based on the classification scheme VCGS_Germline_v1.3.4, this variant is classified as VUS-3B. Following criteria are met: 0105 - The mechanism of disease for this gene is not clearly established. Somatic protein elongation variants resulting in protein mislocalization to the cytoplasm have been reported in acute myeloid leukemia, somatic (MIM#601626). An additional missense variant and an inframe deletion have been reported in congenital dyskeratosis, and exhibit a loss of function mechanism but dominant negative is also suggested (PMID: 15659725, PMID: 31570891). (I) 0107 - This gene is associated with autosomal dominant disease. (I) 0201 - Variant is predicted to cause nonsense-mediated decay (NMD) and loss of protein (premature termination codon is located at least 54 nucleotides upstream of the final exon-exon junction). (SP) 0219 - This variant is non-coding in an alternative transcript. This variant is non-coding in three transcripts, where only one displays modest expression (GTex, UCSC). It is coding in the ClinVar predominant transcript. (I) 0251 - This variant is heterozygous. (I) 0301 - Variant is absent from gnomAD (both v2 and v3). (SP) 0705 - No comparable NMD-predicted variants have previous evidence for pathogenicity. (I) 0807 - This variant has no previous evidence of pathogenicity. (I) 0905 - No published segregation evidence has been identified for this variant. (I) 1007 - No published functional evidence has been identified for this variant. (I) Legend: (SP) - Supporting pathogenic, (I) - Information, (SB) - Supporting benign

Literature cited by the submitters: PubMed 15659725; PubMed 31570891.